The following is an entry in ClinVar:

NM_001394062.1(MACF1):c.21771+6del

Gene: MACF1 (microtubule actin crosslinking factor 1; plus strand). Cytogenetic location: 1p34.3.
Variant type: Deletion.
Coding change: c.21771+6del on transcript NM_001394062.1 (MANE Select); 6 bases into the intron after coding-DNA position 21771, one base deleted (G; older notation c.21771+6delG).
Molecular consequence: intron variant.
Genome position (GRCh38, 1-based): chr1:39,465,118, G deleted. VCF-style (leftmost placement, unchanged base first): chr1-39465117-AG-A. GRCh37 (hg19) VCF-style: chr1-39930789-AG-A.
Other names: c.15576+1432del (NM_012090.5); c.9831+1432del (NM_001397473.1).
Identifiers: ClinVar variation 4883879 (VCV004883879.2).

ClinVar aggregate classification (germline): Uncertain significance (1 of 4 stars; one submission).

Submission:

Dasa
Classification: Uncertain significance. Last evaluated: 2025-09-02. Review status: criteria provided, single submitter. Criteria: DASA Assertion Criteria. Collection method: clinical testing. Allele origin: germline.
Comment: NM_001394062.1(MACF1):c.21771+6del is a splice-region variant. This variant is absent from population databases. Computational prediction algorithms are consistent with a benign effect. The currently available literature and clinical evidence are not sufficient to establish a definitive association between this variant and the reported condition. Therefore, this variant is classified as a variant of uncertain significance.